The following is an entry in ClinVar:

NM_001009944.3(PKD1):c.2854-10C>G

Gene: PKD1 (polycystin 1, transient receptor potential channel interacting; minus strand). Cytogenetic location: 16p13.3.
Variant type: single nucleotide variant.
Coding change: c.2854-10C>G on transcript NM_001009944.3 (MANE Select); 10 bases into the intron before coding-DNA position 2854, C replaced by G.
Molecular consequence: intron variant.
Genome position (GRCh38, 1-based): chr16:2,113,302, G>C on the plus strand (C>G on the coding strand, the complement: PKD1 is on the minus strand). VCF-style: chr16-2113302-G-C. GRCh37 (hg19) VCF-style: chr16-2163303-G-C.
Other names: c.2854-10C>G (NM_000296.4).
Identifiers: ClinVar variation 3054760 (VCV003054760.2), dbSNP rs550309168, ClinGen allele CA7833048.

ClinVar aggregate classification (germline): Likely benign (0 of 4 stars; one submission).

Conditions:
PKD1-related disorder. Also called: PKD1-related condition.

Allele frequency attached by ClinVar (database versions not stated): ExAC 0.00001; TOPMed 0.00001; 1000 Genomes Project 0.00020; 1000 Genomes Project 30x 0.00031.
gnomAD v4.1: 15 of 1,595,456 alleles (0.00094%); highest among the groups gnomAD compares: East Asian, 0.0089%; no homozygotes.

Submission:

PreventionGenetics, part of Exact Sciences
Classification: Likely benign for PKD1-related condition. Last evaluated: 2021-03-25. Review status: no assertion criteria provided. Collection method: clinical testing. Allele origin: germline.
Comment: This variant is classified as likely benign based on ACMG/AMP sequence variant interpretation guidelines (Richards et al. 2015 PMID: 25741868, with internal and published modifications).